The following is an entry in ClinVar:

ClinVar aggregate classification (germline): Pathogenic/Likely pathogenic. Review status: criteria provided, multiple submitters, no conflicts (2 of 4 stars). 3 submissions from 3 submitters: Pathogenic (1); Likely pathogenic (2). Last evaluated 2025-06-11.

Conditions:
Inborn genetic diseases. Identifiers: MedGen C0950123, MeSH D030342.

Allele frequency attached by ClinVar (database versions not stated): gnomAD exomes below 0.00001; ExAC 0.00001.
gnomAD v4.1: 6 of 1,613,976 alleles (0.00037%); highest among the groups gnomAD compares: East Asian, 0.0022%; no homozygotes.

Submissions (3):

Ambry Genetics
Classification: Pathogenic for Inborn genetic diseases. Last evaluated: 2025-06-11. Review status: criteria provided, single submitter. Criteria: Ambry Variant Classification Scheme 2023. Collection method: clinical testing. Allele origin: germline.
Comment: The c.352C>T (p.R118C) alteration is located in exon 3 (coding exon 3) of the DGUOK gene. This alteration results from a C to T substitution at nucleotide position 352, causing the arginine (R) at amino acid position 118 to be replaced by a cysteine (C). Based on data from gnomAD, the T allele has an overall frequency of <0.001% (1/251454) total alleles studied. The highest observed frequency was 0.005% (1/18390) of East Asian alleles. This variant has been identified in the homozygous state and/or in conjunction with other DGUOK variants in individuals with features consistent with DGUOK-related mitochondrial DNA depletion syndrome; in at least one instance, the variants were identified in trans (Dimmock, 2008, Haudry, 2012). Another variant at the same codon, c.353G>A (p.R118H), has been identified in individuals with features consistent with DGUOK-related mitochondrial DNA depletion syndrome (Dillon, 2018, Doulu, 2021). This amino acid position is highly conserved in available vertebrate species. This alteration is predicted to be deleterious by in silico analysis. Based on the available evidence, this alteration is classified as pathogenic.

Labcorp Genetics (formerly Invitae), Labcorp
Classification: Likely pathogenic. Last evaluated: 2022-12-17. Review status: criteria provided, single submitter. Criteria: Invitae Variant Classification Sherloc (09022015). Collection method: clinical testing. Allele origin: germline.
Comment: This sequence change replaces arginine, which is basic and polar, with cysteine, which is neutral and slightly polar, at codon 118 of the DGUOK protein (p.Arg118Cys). This variant is present in population databases (rs767604650, gnomAD 0.006%). This missense change has been observed in individual(s) with mitochondrial DNA depletion syndrome (PMID: 18205204, 23141463). In at least one individual the data is consistent with being in trans (on the opposite chromosome) from a pathogenic variant. ClinVar contains an entry for this variant (Variation ID: 1324226). Advanced modeling of protein sequence and biophysical properties (such as structural, functional, and spatial information, amino acid conservation, physicochemical variation, residue mobility, and thermodynamic stability) performed at Invitae indicates that this missense variant is expected to disrupt DGUOK protein function. This variant disrupts the p.Arg118 amino acid residue in DGUOK. Other variant(s) that disrupt this residue have been observed in individuals with DGUOK-related conditions (PMID: 19380071), which suggests that this may be a clinically significant amino acid residue. In summary, the currently available evidence indicates that the variant is pathogenic, but additional data are needed to prove that conclusively. Therefore, this variant has been classified as Likely Pathogenic.

Revvity Omics, Revvity
Classification: Likely pathogenic. Last evaluated: 2019-10-18. Review status: criteria provided, single submitter. Criteria: ACMG Guidelines, 2015. Collection method: clinical testing. Allele origin: germline.

Literature cited by the submitters: PubMed 18205204 (cited by Ambry Genetics and Labcorp Genetics (formerly Invitae), Labcorp); PubMed 23141463 (cited by Ambry Genetics and Labcorp Genetics (formerly Invitae), Labcorp); PubMed 29453417 (cited by Ambry Genetics); PubMed 34167177 (cited by Ambry Genetics); PubMed 38178268 (cited by Ambry Genetics); PubMed 19380071 (cited by Labcorp Genetics (formerly Invitae), Labcorp).

NM_080916.3(DGUOK):c.352C>T (p.Arg118Cys)

Gene: DGUOK (deoxyguanosine kinase; plus strand). Cytogenetic location: 2p13.1.
Variant type: single nucleotide variant.
Coding change: c.352C>T on transcript NM_080916.3 (MANE Select); coding-DNA position 352, C replaced by T.
Protein change: p.Arg118Cys; replaces arginine 118 with cysteine.
Molecular consequence: missense variant. On other transcripts: non-coding transcript variant (5).
Genome position (GRCh38, 1-based): chr2:73,946,815, C>T. VCF-style: chr2-73946815-C-T. GRCh37 (hg19) VCF-style: chr2-74173942-C-T.
Other names: c.352C>T, p.Arg118Cys (NM_001318859.2, NM_080918.3); c.61C>T, p.Arg21Cys (NM_001318860.2, NM_001318861.2, NM_001318862.2 and 1 more transcripts); c.352C>T (NM_080916.1); short protein forms R118C, R21C.
Identifiers: ClinVar variation 1324226 (VCV001324226.10), dbSNP rs767604650, ClinGen allele CA1718237.